The following is an entry in ClinVar:

ClinVar aggregate classification (germline): Uncertain significance. Review status: criteria provided, multiple submitters, no conflicts (2 of 4 stars). 2 submissions from 2 submitters: Uncertain significance (2). Last evaluated 2024-01-19.

Allele frequency attached by ClinVar (database versions not stated): TOPMed below 0.00001; gnomAD 0.00001; gnomAD exomes 0.00001; ExAC 0.00002.

Submissions (2):

Labcorp Genetics (formerly Invitae), Labcorp
Classification: Uncertain significance. Last evaluated: 2024-01-19. Review status: criteria provided, single submitter. Criteria: Invitae Variant Classification Sherloc (09022015). Collection method: clinical testing. Allele origin: germline.
Comment: This sequence change replaces valine, which is neutral and non-polar, with alanine, which is neutral and non-polar, at codon 896 of the EGF protein (p.Val896Ala). The frequency data for this variant in the population databases is considered unreliable, as metrics indicate poor data quality at this position in the gnomAD database. This variant has not been reported in the literature in individuals affected with EGF-related conditions. ClinVar contains an entry for this variant (Variation ID: 1677062). An algorithm developed to predict the effect of missense changes on protein structure and function (PolyPhen-2) suggests that this variant is likely to be tolerated. In summary, the available evidence is currently insufficient to determine the role of this variant in disease. Therefore, it has been classified as a Variant of Uncertain Significance.

Women's Health and Genetics/Laboratory Corporation of America, LabCorp
Classification: Uncertain significance. Last evaluated: 2022-03-09. Review status: criteria provided, single submitter. Criteria: LabCorp Variant Classification Summary - May 2015. Collection method: clinical testing. Allele origin: germline.
Comment: Variant summary: EGF c.2687T>C (p.Val896Ala) results in a non-conservative amino acid change located in the EGF like domain (IPR000742) of the encoded protein sequence. Five of five in-silico tools predict a damaging effect of the variant on protein function. The variant allele was found at a frequency of 1.2e-05 in 251206 control chromosomes (gnomAD). The available data on variant occurrences in the general population are insufficient to allow any conclusion about variant significance. To our knowledge, no occurrence of c.2687T>C in individuals affected with Hypomagnesemia 4, Renal and no experimental evidence demonstrating its impact on protein function have been reported. No clinical diagnostic laboratories have submitted clinical-significance assessments for this variant to ClinVar after 2014. Based on the evidence outlined above, the variant was classified as uncertain significance.

NM_001963.6(EGF):c.2687T>C (p.Val896Ala)

Gene: EGF (epidermal growth factor; plus strand). Cytogenetic location: 4q25.
Variant type: single nucleotide variant.
Coding change: c.2687T>C on transcript NM_001963.6 (MANE Select); coding-DNA position 2687, T replaced by C.
Protein change: p.Val896Ala; replaces valine 896 with alanine.
Molecular consequence: missense variant. On other transcripts: intron variant (1).
Genome position (GRCh38, 1-based): chr4:109,988,662, T>C. VCF-style: chr4-109988662-T-C. GRCh37 (hg19) VCF-style: chr4-110909818-T-C.
Other names: c.2687T>C, p.Val896Ala (NM_001178130.3); c.2561T>C, p.Val854Ala (NM_001178131.3); c.2366-4585T>C (NM_001357021.2); short protein forms V854A, V896A.
Identifiers: ClinVar variation 1677062 (VCV001677062.6), dbSNP rs778040733, ClinGen allele CA3044049.